The following is an entry in ClinVar:

NM_002439.5(MSH3):c.1964_1965dup (p.Ile656Ter)

Gene: MSH3 (mutS homolog 3; plus strand). Cytogenetic location: 5q14.1.
Variant type: Duplication.
Coding change: c.1964_1965dup on transcript NM_002439.5 (MANE Select); coding-DNA positions 1964 to 1965, 2 bases duplicated (TA; older notation c.1964_1965dupTA).
Protein change: p.Ile656Ter; replaces isoleucine 656 with a stop codon.
Molecular consequence: nonsense.
Genome position (GRCh38, 1-based): chr5:80,768,000-80,768,001, TA duplicated; duplicating any 2 consecutive bases within chr5:80,767,999-80,768,001 gives the same sequence; the c. name uses the placement nearest the transcript's 3' end. VCF-style (leftmost placement, unchanged base first): chr5-80767998-A-AAT. GRCh37 (hg19) VCF-style: chr5-80063817-A-AAT.
Other names: short protein forms I656*.
Identifiers: ClinVar variation 4824373 (VCV004824373.1).

ClinVar aggregate classification (germline): Pathogenic (1 of 4 stars; one submission).

Conditions:
Hereditary cancer-predisposing syndrome. Also called: Neoplastic Syndromes, Hereditary; Hereditary neoplastic syndrome; Tumor predisposition; Hereditary Cancer Syndrome. Identifiers: Orphanet 140162, MedGen C0027672, MeSH D009386, MONDO:0015356.

Submission:

Ambry Genetics
Classification: Pathogenic for Hereditary cancer-predisposing syndrome. Last evaluated: 2026-01-20. Review status: criteria provided, single submitter. Criteria: Ambry Variant Classification Scheme 2023. Collection method: clinical testing. Allele origin: germline.
Comment: The c.1964_1965dupTA pathogenic mutation, located in coding exon 14 of the MSH3 gene, results from a duplication of TA at nucleotide position 1964, causing a translational frameshift with a predicted alternate stop codon (p.I656*). This variant is considered to be rare based on population cohorts in the Genome Aggregation Database (gnomAD). This alteration is expected to result in loss of function by premature protein truncation or nonsense-mediated mRNA decay. As such, this alteration is interpreted as a disease-causing mutation.